The following is an entry in ClinVar:

NM_001378457.1(DMXL2):c.1537C>T (p.His513Tyr)

Gene: DMXL2 (Dmx like 2; minus strand). Cytogenetic location: 15q21.2.
Variant type: single nucleotide variant.
Coding change: c.1537C>T on transcript NM_001378457.1 (MANE Select); coding-DNA position 1537, C replaced by T.
Protein change: p.His513Tyr; replaces histidine 513 with tyrosine.
Molecular consequence: missense variant. On other transcripts: non-coding transcript variant (2).
Genome position (GRCh38, 1-based): chr15:51,537,568, G>A on the plus strand (C>T on the coding strand, the complement: DMXL2 is on the minus strand). VCF-style: chr15-51537568-G-A. GRCh37 (hg19) VCF-style: chr15-51829765-G-A.
Other names: c.1537C>T, p.His513Tyr (NM_001174116.3, NM_001174117.3, NM_001378458.1 and 6 more transcripts); c.1297C>T, p.His433Tyr (NM_001378464.1); short protein forms H513Y, H433Y.
Identifiers: ClinVar variation 1402009 (VCV001402009.8), dbSNP rs753093141, ClinGen allele CA7562569.

ClinVar aggregate classification (germline): Uncertain significance (1 of 4 stars; one submission).

Allele frequency attached by ClinVar (database versions not stated): gnomAD exomes below 0.00001; ExAC 0.00001.
gnomAD v4.1: 2 of 1,613,840 alleles (0.00012%); highest among the groups gnomAD compares: South Asian, 0.0011%; no homozygotes.

Submission:

Labcorp Genetics (formerly Invitae), Labcorp
Classification: Uncertain significance. Last evaluated: 2021-06-19. Review status: criteria provided, single submitter. Criteria: Invitae Variant Classification Sherloc (09022015). Collection method: clinical testing. Allele origin: germline.
Comment: In summary, the available evidence is currently insufficient to determine the role of this variant in disease. Therefore, it has been classified as a Variant of Uncertain Significance. Algorithms developed to predict the effect of missense changes on protein structure and function (SIFT, PolyPhen-2, Align-GVGD) all suggest that this variant is likely to be disruptive, but these predictions have not been confirmed by published functional studies and their clinical significance is uncertain. This variant has not been reported in the literature in individuals with DMXL2-related conditions. This variant is present in population databases (rs753093141, ExAC 0.006%). This sequence change replaces histidine with tyrosine at codon 513 of the DMXL2 protein (p.His513Tyr). The histidine residue is highly conserved and there is a moderate physicochemical difference between histidine and tyrosine.